The following is an entry in ClinVar:

ClinVar aggregate classification (germline): Uncertain significance (1 of 4 stars; one submission).

Conditions:
Hereditary cancer-predisposing syndrome. Also called: Neoplastic Syndromes, Hereditary; Tumor predisposition; Hereditary Cancer Syndrome; Hereditary neoplastic syndrome. Identifiers: Orphanet 140162, MedGen C0027672, MeSH D009386, MONDO:0015356.

Submission:

Ambry Genetics
Classification: Uncertain significance for Hereditary cancer-predisposing syndrome. Last evaluated: 2025-11-07. Review status: criteria provided, single submitter. Criteria: Ambry Variant Classification Scheme 2023. Collection method: clinical testing. Allele origin: germline.
Comment: The p.K120N variant (also known as c.360G>T), located in coding exon 1 of the MEN1 gene, results from a G to T substitution at nucleotide position 360. The lysine at codon 120 is replaced by asparagine, an amino acid with similar properties. This amino acid position is highly conserved in available vertebrate species. In addition, the in silico prediction for this alteration is inconclusive. Based on the available evidence, the clinical significance of this variant remains unclear.

NM_001370259.2(MEN1):c.360G>T (p.Lys120Asn)

Gene: MEN1 (menin 1; minus strand). Cytogenetic location: 11q13.1.
Variant type: single nucleotide variant.
Coding change: c.360G>T on transcript NM_001370259.2 (MANE Select); coding-DNA position 360, G replaced by T.
Protein change: p.Lys120Asn; replaces lysine 120 with asparagine.
Molecular consequence: missense variant.
Genome position (GRCh38, 1-based): chr11:64,809,750, C>A on the plus strand (G>T on the coding strand, the complement: MEN1 is on the minus strand). VCF-style: chr11-64809750-C-A. GRCh37 (hg19) VCF-style: chr11-64577222-C-A.
Other names: c.360G>T, p.Lys120Asn (NM_000244.4, NM_001370251.2, NM_001370260.2 and 20 more transcripts); short protein forms K120N.
Identifiers: ClinVar variation 1733217 (VCV001733217.3), dbSNP rs1477714779, ClinGen allele CA381187331.